The following continues an entry in ClinVar:

NM_000053.4(ATP7B):c.2332C>G (p.Arg778Gly)

Gene: ATP7B. ClinVar aggregate classification (germline): Pathogenic. Pathogenic (13).

Submissions 13 to 15 of 15:

Women's Health and Genetics/Laboratory Corporation of America, LabCorp
Classification: Pathogenic for Wilson disease. Last evaluated: 2019-01-21. Review status: criteria provided, single submitter. Criteria: LabCorp Variant Classification Summary - May 2015. Collection method: clinical testing. Allele origin: germline.
Comment: Variant summary: ATP7B c.2332C>G (p.Arg778Gly) results in a non-conservative amino acid change in the encoded protein sequence. Five of five in-silico tools predict a damaging effect of the variant on protein function. The variant allele was found at a frequency of 8.1e-06 in 246100 control chromosomes (gnomAD). c.2332C>G has been reported in the literature in multiple individuals affected with Wilson Disease (Ferenci_2014). These data indicate that the variant is very likely to be associated with disease. In addition, another variant, c.2332C>T (p.Arg778Trp) affecting the same codon has been classified as pathogenic, therefore, suggesting the importance of this location for ATP7B protein function. To our knowledge, no experimental evidence demonstrating an impact on protein function has been reported. No clinical diagnostic laboratories have submitted clinical-significance assessments for this variant to ClinVar after 2014. Based on the evidence outlined above, the variant was classified as pathogenic.

Counsyl
Classification: Likely pathogenic for Wilson's disease. Last evaluated: 2014-11-20. Review status: no assertion criteria provided. Collection method: literature only. Allele origin: unknown. Inheritance: Autosomal recessive inheritance. Not counted in ClinVar's aggregate classification.

ClinVar Staff, National Center for Biotechnology Information (NCBI)
No classification provided. Condition: Wilson's disease. Review status: no classification provided. Collection method: not provided. Allele origin: not provided. Not counted in ClinVar's aggregate classification.

Literature cited by the submitters: PubMed 20517649 (cited by 5 submitters); PubMed 21682854 (cited by 5 submitters); PubMed 23333878 (cited by 5 submitters); PubMed 11243728 (cited by Labcorp Genetics (formerly Invitae), Labcorp); PubMed 11479773 (cited by Labcorp Genetics (formerly Invitae), Labcorp); PubMed 16998622 (cited by 3 submitters); PubMed 17160357 (cited by Labcorp Genetics (formerly Invitae), Labcorp); PubMed 23518715 (cited by 5 submitters); PubMed 8533760 (cited by 4 submitters); PubMed 9801873 (cited by 3 submitters); PubMed 11216666 (cited by 3 submitters); PubMed 12515040 (cited by Color Diagnostics, LLC DBA Color Health and All of Us Research Program, National Institutes of Health); PubMed 16207219 (cited by 3 submitters); PubMed 16283883 (cited by 5 submitters); PubMed 17154398 (cited by 4 submitters); PubMed 17272994 (cited by 3 submitters); PubMed 18371106 (cited by Color Diagnostics, LLC DBA Color Health and All of Us Research Program, National Institutes of Health); PubMed 20958917 (cited by 4 submitters); PubMed 21406212 (cited by Color Diagnostics, LLC DBA Color Health and All of Us Research Program, National Institutes of Health); PubMed 22093921 (cited by Color Diagnostics, LLC DBA Color Health and All of Us Research Program, National Institutes of Health); PubMed 22677543 (cited by 3 submitters); PubMed 24517292 (cited by 3 submitters); PubMed 26215059 (cited by Color Diagnostics, LLC DBA Color Health and All of Us Research Program, National Institutes of Health); PubMed 27935710 (cited by Color Diagnostics, LLC DBA Color Health and All of Us Research Program, National Institutes of Health); PubMed 30230192 (cited by Color Diagnostics, LLC DBA Color Health and All of Us Research Program, National Institutes of Health); PubMed 31708252 (cited by Color Diagnostics, LLC DBA Color Health and All of Us Research Program, National Institutes of Health); PubMed 33159804 (cited by Color Diagnostics, LLC DBA Color Health and All of Us Research Program, National Institutes of Health); PubMed 34400371 (cited by Color Diagnostics, LLC DBA Color Health and All of Us Research Program, National Institutes of Health); PubMed 35245129 (cited by Color Diagnostics, LLC DBA Color Health and All of Us Research Program, National Institutes of Health); PubMed 25704483 (cited by Natera, Inc.); PubMed 32043565 (cited by Natera, Inc.); PubMed 15967699 (cited by Laboratory for Molecular Medicine, Mass General Brigham Personalized Medicine and Counsyl).